The following is an entry in ClinVar:

ClinVar aggregate classification (germline): Benign. Review status: criteria provided, multiple submitters, no conflicts (2 of 4 stars). 3 submissions from 3 submitters: Benign (2). 1 of the submissions does not count toward it. Last evaluated 2026-07-01.

Conditions:
SON-related disorder. Also called: SON-related condition.

Allele frequency attached by ClinVar (database versions not stated): gnomAD 0.00013 and 0.00056; TOPMed 0.00021; ESP Exome Variant Server 0.00023; gnomAD exomes 0.00093 and 0.00183; ExAC 0.00208; 1000 Genomes Project 30x 0.00219; 1000 Genomes Project 0.00280.
gnomAD v4.1: 1,456 of 1,609,938 alleles (0.09%); highest among the groups gnomAD compares: South Asian, 1.2%; 22 homozygotes.

Submissions (3):

CeGaT Center for Human Genetics Tuebingen
Classification: Benign. Last evaluated: 2026-07-01. Review status: criteria provided, single submitter. Criteria: CeGaT Center For Human Genetics Tuebingen Variant Classification Criteria Version 2. Collection method: clinical testing. Allele origin: germline. Affected: yes. Observed: 3 variant alleles.
Comment: SON: BS1, BS2

Labcorp Genetics (formerly Invitae), Labcorp
Classification: Benign. Last evaluated: 2026-01-25. Review status: criteria provided, single submitter. Criteria: Invitae Variant Classification Sherloc (09022015). Collection method: clinical testing. Allele origin: germline.

PreventionGenetics, part of Exact Sciences
Classification: Benign for SON-related condition. Last evaluated: 2019-03-20. Review status: no assertion criteria provided. Collection method: clinical testing. Allele origin: germline. Not counted in ClinVar's aggregate classification.
Comment: This variant is classified as benign based on ACMG/AMP sequence variant interpretation guidelines (Richards et al. 2015 PMID: 25741868, with internal and published modifications).

NM_138927.4(SON):c.1670C>T (p.Ala557Val)

Gene: SON (SON DNA and RNA binding protein; plus strand). Cytogenetic location: 21q22.11.
Variant type: single nucleotide variant.
Coding change: c.1670C>T on transcript NM_138927.4 (MANE Select); coding-DNA position 1670, C replaced by T.
Protein change: p.Ala557Val; replaces alanine 557 with valine.
Molecular consequence: missense variant. On other transcripts: non-coding transcript variant (1), intron variant (1).
Genome position (GRCh38, 1-based): chr21:33,550,901, C>T. VCF-style: chr21-33550901-C-T. GRCh37 (hg19) VCF-style: chr21-34923207-C-T.
Other names: c.1670C>T (NM_138927.2); c.1670C>T, p.Ala557Val (NM_001291411.2, NM_032195.3); c.244+4522C>T (NM_001291412.3); short protein forms A557V.
Identifiers: ClinVar variation 724619 (VCV000724619.35), dbSNP rs201936865, ClinGen allele CA10008952.
Genomic context (GRCh38, chr21:33,550,901, plus strand): 5'-TGGGGCAGCCTGAGGCAACGATGGTGCTGGAGTTGCCAGGACAGCCAGTGGCAACGACAG[C>T]GCTGGAGTTGCCGGGGCAGCCTTCGGTGACTGGGGTGCCAGAGTTGCCAGGGCTGCCTTC-3'
Protein context (NP_620305.3, residues 547-567): ELPGQPVATT[Ala557Val]LELPGQPSVT